The following is an entry in ClinVar:

NM_000829.4(GRIA4):c.757A>G (p.Ile253Val)

Gene: GRIA4 (glutamate ionotropic receptor AMPA type subunit 4; plus strand). Cytogenetic location: 11q22.3.
Variant type: single nucleotide variant.
Coding change: c.757A>G on transcript NM_000829.4 (MANE Select); coding-DNA position 757, A replaced by G.
Protein change: p.Ile253Val; replaces isoleucine 253 with valine.
Molecular consequence: missense variant. On other transcripts: non-coding transcript variant (1).
Genome position (GRCh38, 1-based): chr11:105,898,299, A>G. VCF-style: chr11-105898299-A-G. GRCh37 (hg19) VCF-style: chr11-105769025-A-G.
Other names: c.757A>G, p.Ile253Val (NM_001077243.3, NM_001077244.2, NM_001112812.2); short protein forms I253V.
Identifiers: ClinVar variation 3390119 (VCV003390119.14).

ClinVar aggregate classification (germline): Uncertain significance (1 of 4 stars; one submission).

Submission:

CeGaT Center for Human Genetics Tuebingen
Classification: Uncertain significance. Last evaluated: 2024-11-01. Review status: criteria provided, single submitter. Criteria: CeGaT Center For Human Genetics Tuebingen Variant Classification Criteria Version 2. Collection method: clinical testing. Allele origin: germline. Affected: yes. Observed: 1 variant allele.
Comment: GRIA4: PM2